The following is an entry in ClinVar:

ClinVar aggregate classification (germline): Uncertain significance. Review status: criteria provided, multiple submitters, no conflicts (2 of 4 stars). 3 submissions from 3 submitters: Uncertain significance (2). 1 of the submissions does not count toward it. Last evaluated 2025-04-28.

Conditions:
Renal dysplasia, cystic, susceptibility to. Identifiers: MedGen C3275898, MONDO:0011037, OMIM 601331.

Allele frequency attached by ClinVar (database versions not stated): gnomAD exomes 0.00001; TOPMed 0.00001.
gnomAD v4.1: 13 of 1,613,330 alleles (0.00081%); highest among the groups gnomAD compares: Admixed American, 0.0067%; no homozygotes.

Submissions (3):

3billion
Classification: Uncertain significance for Renal dysplasia, cystic, susceptibility to. Last evaluated: 2025-04-28. Review status: criteria provided, single submitter. Criteria: ACMG Guidelines, 2015. Collection method: clinical testing. Allele origin: germline. Affected: yes.

Labcorp Genetics (formerly Invitae), Labcorp
Classification: Uncertain significance. Last evaluated: 2022-08-15. Review status: criteria provided, single submitter. Criteria: Invitae Variant Classification Sherloc (09022015). Collection method: clinical testing. Allele origin: germline.
Comment: This sequence change replaces glutamic acid, which is acidic and polar, with glycine, which is neutral and non-polar, at codon 932 of the BICC1 protein (p.Glu932Gly). This variant is present in population databases (rs387907124, gnomAD 0.003%). This missense change has been observed in individual(s) with renal abnormalities (PMID: 21922595). ClinVar contains an entry for this variant (Variation ID: 31154). Algorithms developed to predict the effect of missense changes on protein structure and function (SIFT, PolyPhen-2, Align-GVGD) all suggest that this variant is likely to be tolerated. In summary, the available evidence is currently insufficient to determine the role of this variant in disease. Therefore, it has been classified as a Variant of Uncertain Significance. Experimental studies have shown that this missense change affects BICC1 function (PMID: 21922595).

OMIM
Classification: risk factor for RENAL DYSPLASIA, CYSTIC, SUSCEPTIBILITY TO. Last evaluated: 2012-01-01. Review status: no assertion criteria provided. Collection method: literature only. Allele origin: germline. Not counted in ClinVar's aggregate classification.

Literature cited by the submitters: PubMed 21922595 (cited by 3 submitters).

NM_001080512.3(BICC1):c.2795A>G (p.Glu932Gly)

Gene: BICC1 (BicC family RNA binding protein 1; plus strand). Cytogenetic location: 10q21.1.
Variant type: single nucleotide variant.
Coding change: c.2795A>G on transcript NM_001080512.3 (MANE Select); coding-DNA position 2795, A replaced by G.
Protein change: p.Glu932Gly; replaces glutamic acid 932 with glycine.
Molecular consequence: missense variant.
Genome position (GRCh38, 1-based): chr10:58,828,761, A>G. VCF-style: chr10-58828761-A-G. GRCh37 (hg19) VCF-style: chr10-60588521-A-G.
Other names: short protein forms E932G.
Identifiers: ClinVar variation 31154 (VCV000031154.6), dbSNP rs387907124, ClinGen allele CA129724.
Genomic context (GRCh38, chr10:58,828,761, plus strand): 5'-TCCTGTAGTATACATAGAACTTCTCTTGAGCTCCTAACAATTCTCTCTTTCTCTCTCTAG[A>G]ACTAAATAAAAACCGAAGAAAGCTTTTTGAATCGCCAAATGCACGCACCTCTTTCCTGGA-3'
Protein context (NP_001073981.1, residues 922-942): ARRKMLLAIS[Glu932Gly]LNKNRRKLFE